The following is an entry in ClinVar:

ClinVar aggregate classification (germline): Uncertain significance (1 of 4 stars; one submission).

Allele frequency attached by ClinVar (database versions not stated): gnomAD 0.00001; gnomAD exomes 0.00001 and 0.00002; ExAC 0.00002; TOPMed 0.00003.
gnomAD v4.1: 16 of 1,614,030 alleles (0.00099%); highest among the groups gnomAD compares: East Asian, 0.036%; 1 homozygote.

Submission:

Labcorp Genetics (formerly Invitae), Labcorp
Classification: Uncertain significance. Last evaluated: 2021-08-26. Review status: criteria provided, single submitter. Criteria: Invitae Variant Classification Sherloc (09022015). Collection method: clinical testing. Allele origin: germline.
Comment: This sequence change replaces threonine with proline at codon 1463 of the CPLANE1 protein (p.Thr1463Pro). The threonine residue is moderately conserved and there is a small physicochemical difference between threonine and proline. This variant is present in population databases (rs767203223, ExAC 0.02%). This variant has not been reported in the literature in individuals affected with CPLANE1-related conditions. Advanced modeling of protein sequence and biophysical properties (such as structural, functional, and spatial information, amino acid conservation, physicochemical variation, residue mobility, and thermodynamic stability) performed at Invitae indicates that this missense variant is not expected to disrupt CPLANE1 protein function. In summary, the available evidence is currently insufficient to determine the role of this variant in disease. Therefore, it has been classified as a Variant of Uncertain Significance.

NM_001384732.1(CPLANE1):c.4387A>C (p.Thr1463Pro)

Genes: CPLANE1 (ciliogenesis and planar polarity effector complex subunit 1; minus strand), LOC129389274 (MPRA-validated peak5227 silencer; plus strand). Cytogenetic location: 5p13.2.
Variant type: single nucleotide variant.
Coding change: c.4387A>C on transcript NM_001384732.1 (MANE Select); coding-DNA position 4387, A replaced by C.
Protein change: p.Thr1463Pro; replaces threonine 1463 with proline.
Molecular consequence: missense variant.
Genome position (GRCh38, 1-based): chr5:37,184,882, T>G on the plus strand (A>C on the coding strand, the complement: CPLANE1 is on the minus strand). VCF-style: chr5-37184882-T-G. GRCh37 (hg19) VCF-style: chr5-37184984-T-G.
Other names: c.4387A>C, p.Thr1463Pro (NM_023073.4); short protein forms T1463P.
Identifiers: ClinVar variation 1474576 (VCV001474576.5), dbSNP rs767203223, ClinGen allele CA3238712.